The following is an entry in ClinVar:

NM_001933.5(DLST):c.6G>C (p.Leu2=)

Gene: DLST (dihydrolipoamide S-succinyltransferase; plus strand). Cytogenetic location: 14q24.3.
Variant type: single nucleotide variant.
Coding change: c.6G>C on transcript NM_001933.5 (MANE Select); coding-DNA position 6, G replaced by C.
Protein change: p.Leu2=; no amino-acid change (leucine 2 retained).
Molecular consequence: synonymous variant. On other transcripts: non-coding transcript variant (2).
Genome position (GRCh38, 1-based): chr14:74,881,959, G>C. VCF-style: chr14-74881959-G-C. GRCh37 (hg19) VCF-style: chr14-75348662-G-C.
Other names: c.6G>C, p.Leu2= (NM_001244883.2).
Identifiers: ClinVar variation 3707430 (VCV003707430.2).

ClinVar aggregate classification (germline): Uncertain significance (1 of 4 stars; one submission).

gnomAD v4.1: 3 of 1,563,238 alleles (0.00019%); highest among the groups gnomAD compares: African/African-American, 0.0028%; no homozygotes.

Submission:

Labcorp Genetics (formerly Invitae), Labcorp
Classification: Uncertain significance. Last evaluated: 2024-10-03. Review status: criteria provided, single submitter. Criteria: Invitae Variant Classification Sherloc (09022015). Collection method: clinical testing. Allele origin: germline.
Comment: This sequence change affects codon 2 of the DLST mRNA. It is a 'silent' change, meaning that it does not change the encoded amino acid sequence of the DLST protein. The frequency data for this variant in the population databases is considered unreliable, as metrics indicate poor data quality at this position in the gnomAD database. This variant has not been reported in the literature in individuals affected with DLST-related conditions. Experimental studies and prediction algorithms are not available or were not evaluated, and the effect of this variant on mRNA splicing is currently unknown. In summary, the available evidence is currently insufficient to determine the role of this variant in disease. Therefore, it has been classified as a Variant of Uncertain Significance.